The following is an entry in ClinVar:

NM_001376.5(DYNC1H1):c.8344-4A>G

Gene: DYNC1H1 (dynein cytoplasmic 1 heavy chain 1; plus strand). Cytogenetic location: 14q32.31.
Variant type: single nucleotide variant.
Coding change: c.8344-4A>G on transcript NM_001376.5 (MANE Select); 4 bases into the intron before coding-DNA position 8344, A replaced by G.
Molecular consequence: intron variant.
Genome position (GRCh38, 1-based): chr14:102,019,889, A>G. VCF-style: chr14-102019889-A-G. GRCh37 (hg19) VCF-style: chr14-102486226-A-G.
Other names: p.?.
Identifiers: ClinVar variation 513721 (VCV000513721.35), dbSNP rs200913985, ClinGen allele CA266956381.
Genomic context (GRCh38, chr14:102,019,889, plus strand): 5'-TTTTGACCACTTCTCTGTGTCTTAAGATATTTACGTGTACCTTCCATTTTTCTCATTGCC[A>G]TAGGAGAGATTCACCCAGGATACACAACCTCACTATATCTATTCACCCCGTGAAATGACT-3'

ClinVar aggregate classification (germline): Likely benign. Review status: criteria provided, multiple submitters, no conflicts (2 of 4 stars). 4 submissions from 4 submitters: Likely benign (4). Last evaluated 2025-08-13.

Conditions:
Charcot-Marie-Tooth disease axonal type 2O. Also called: CHARCOT-MARIE-TOOTH NEUROPATHY, AXONAL, TYPE 2O; CHARCOT-MARIE-TOOTH DISEASE, AXONAL, AUTOSOMAL DOMINANT, TYPE 2O; Charcot-Marie-Tooth disease, axonal, type 20; Charcot-Marie-Tooth Neuropathy Type 2O. Identifiers: Orphanet 284232, MedGen C3280220, MONDO:0013644, OMIM 614228.

Allele frequency attached by ClinVar (database versions not stated): gnomAD 0.00001; gnomAD exomes 0.00001 and 0.00004; TOPMed 0.00001.
gnomAD v4.1: 60 of 1,613,642 alleles (0.0037%); highest among the groups gnomAD compares: Non-Finnish European, 0.0043%; no homozygotes.

Submissions (4):

Mayo Clinic Laboratories, Mayo Clinic
Classification: Likely benign. Last evaluated: 2025-08-13. Review status: criteria provided, single submitter. Criteria: ACMG Guidelines, 2015. Collection method: clinical testing. Allele origin: germline. Observed: 1 variant allele.
Comment: BP4, BP7

Labcorp Genetics (formerly Invitae), Labcorp
Classification: Likely benign for Charcot-Marie-Tooth disease axonal type 2O. Last evaluated: 2025-08-06. Review status: criteria provided, single submitter. Criteria: Invitae Variant Classification Sherloc (09022015). Collection method: clinical testing. Allele origin: germline.

CeGaT Center for Human Genetics Tuebingen
Classification: Likely benign. Last evaluated: 2023-10-01. Review status: criteria provided, single submitter. Criteria: CeGaT Center For Human Genetics Tuebingen Variant Classification Criteria Version 2. Collection method: clinical testing. Allele origin: germline. Affected: yes. Observed: 1 variant allele.
Comment: DYNC1H1: BP4

GeneDx
Classification: Likely benign. Last evaluated: 2020-05-12. Review status: criteria provided, single submitter. Criteria: GeneDx Variant Classification Process June 2021. Collection method: clinical testing. Allele origin: germline. Affected: yes.